The following is an entry in ClinVar:

ClinVar aggregate classification (germline): Uncertain significance (1 of 4 stars; one submission).

Conditions:
Facioscapulohumeral muscular dystrophy 2 (FSHD2). Also called: FACIOSCAPULOHUMERAL MUSCULAR DYSTROPHY 2, DIGENIC; FSHD2, DIGENIC; MUSCULAR DYSTROPHY, FACIOSCAPULOHUMERAL, TYPE 1B. Identifiers: Orphanet 269, MedGen C1834671, MONDO:0008031, OMIM 158901.

gnomAD v4.1: 1 of 1,598,132 alleles (0.000063%); highest among the groups gnomAD compares: Non-Finnish European, 0.000086%; no homozygotes.

Submission:

Labcorp Genetics (formerly Invitae), Labcorp
Classification: Uncertain significance for Facioscapulohumeral muscular dystrophy 2. Last evaluated: 2021-09-25. Review status: criteria provided, single submitter. Criteria: Invitae Variant Classification Sherloc (09022015). Collection method: clinical testing. Allele origin: germline.
Comment: In summary, the available evidence is currently insufficient to determine the role of this variant in disease. Therefore, it has been classified as a Variant of Uncertain Significance. Algorithms developed to predict the effect of missense changes on protein structure and function (SIFT, PolyPhen-2, Align-GVGD) all suggest that this variant is likely to be tolerated. This variant has not been reported in the literature in individuals affected with SMCHD1-related conditions. This variant is not present in population databases (ExAC no frequency). This sequence change replaces aspartic acid with glutamic acid at codon 1438 of the SMCHD1 protein (p.Asp1438Glu). The aspartic acid residue is highly conserved and there is a small physicochemical difference between aspartic acid and glutamic acid.

NM_015295.3(SMCHD1):c.4314T>A (p.Asp1438Glu)

Gene: SMCHD1 (structural maintenance of chromosomes flexible hinge domain containing 1; plus strand). Cytogenetic location: 18p11.32.
Variant type: single nucleotide variant.
Coding change: c.4314T>A on transcript NM_015295.3 (MANE Select); coding-DNA position 4314, T replaced by A.
Protein change: p.Asp1438Glu; replaces aspartic acid 1438 with glutamic acid.
Molecular consequence: missense variant.
Genome position (GRCh38, 1-based): chr18:2,752,520, T>A. VCF-style: chr18-2752520-T-A. GRCh37 (hg19) VCF-style: chr18-2752518-T-A.
Other names: short protein forms D1438E.
Identifiers: ClinVar variation 1440973 (VCV001440973.6), dbSNP rs1011114157, ClinGen allele CA401693176.